The following is an entry in ClinVar:

NM_004336.5(BUB1):c.2441A>C (p.Asn814Thr)

Gene: BUB1 (BUB1 mitotic checkpoint serine/threonine kinase; minus strand). Cytogenetic location: 2q13.
Variant type: single nucleotide variant.
Coding change: c.2441A>C on transcript NM_004336.5 (MANE Select); coding-DNA position 2441, A replaced by C.
Protein change: p.Asn814Thr; replaces asparagine 814 with threonine.
Molecular consequence: missense variant.
Genome position (GRCh38, 1-based): chr2:110,642,141, T>G on the plus strand (A>C on the coding strand, the complement: BUB1 is on the minus strand). VCF-style: chr2-110642141-T-G. GRCh37 (hg19) VCF-style: chr2-111399718-T-G.
Other names: c.2381A>C, p.Asn794Thr (NM_001278616.2); c.2441A>C, p.Asn814Thr (NM_001278617.2); short protein forms N814T, N794T.
Identifiers: ClinVar variation 4713862 (VCV004713862.1).
Genomic context (GRCh38, chr2:110,642,141, plus strand): 5'-ATTTCTATATCATACAAAAGACAACTCAGGTCATTTACCTTTAAAACAAATTTCTGTTTA[T>G]TTTTAGCATCATTCAGATCTCCCTGGGTAGCTTCGTACACCTGGGCAAAGGCTCCTTCTC-3'
Protein context (NP_004327.1, residues 804-824): ATQGDLNDAK[Asn814Thr]KQKFVLKVQK

ClinVar aggregate classification (germline): Uncertain significance (1 of 4 stars; one submission).

Submission:

Labcorp Genetics (formerly Invitae), Labcorp
Classification: Uncertain significance. Last evaluated: 2025-02-26. Review status: criteria provided, single submitter. Criteria: Invitae Variant Classification Sherloc (09022015). Collection method: clinical testing. Allele origin: germline.
Comment: This sequence change replaces asparagine, which is neutral and polar, with threonine, which is neutral and polar, at codon 814 of the BUB1 protein (p.Asn814Thr). This variant is not present in population databases (gnomAD no frequency). This variant has not been reported in the literature in individuals affected with BUB1-related conditions. Experimental studies and prediction algorithms are not available or were not evaluated, and the functional significance of this variant is currently unknown. In summary, the available evidence is currently insufficient to determine the role of this variant in disease. Therefore, it has been classified as a Variant of Uncertain Significance.